The following is an entry in ClinVar:

ClinVar aggregate classification (germline): Uncertain significance. Review status: criteria provided, multiple submitters, no conflicts (2 of 4 stars). 2 submissions from 2 submitters: Uncertain significance (2). Last evaluated 2025-05-07.

Conditions:
Inborn genetic diseases. Identifiers: MedGen C0950123, MeSH D030342.

Allele frequency attached by ClinVar (database versions not stated): gnomAD 0.00001; gnomAD exomes 0.00001; TOPMed 0.00001.
gnomAD v4.1: 16 of 1,610,618 alleles (0.00099%); highest among the groups gnomAD compares: Admixed American, 0.0017%; no homozygotes.

Submissions (2):

Ambry Genetics
Classification: Uncertain significance for Inborn genetic diseases. Last evaluated: 2025-05-07. Review status: criteria provided, single submitter. Criteria: Ambry Variant Classification Scheme 2023. Collection method: clinical testing. Allele origin: germline.

Labcorp Genetics (formerly Invitae), Labcorp
Classification: Uncertain significance. Last evaluated: 2024-11-18. Review status: criteria provided, single submitter. Criteria: Invitae Variant Classification Sherloc (09022015). Collection method: clinical testing. Allele origin: germline.
Comment: This sequence change replaces isoleucine, which is neutral and non-polar, with valine, which is neutral and non-polar, at codon 124 of the DDX58 protein (p.Ile124Val). This variant is not present in population databases (gnomAD no frequency). This variant has not been reported in the literature in individuals affected with DDX58-related conditions. ClinVar contains an entry for this variant (Variation ID: 1983526). An algorithm developed to predict the effect of missense changes on protein structure and function (PolyPhen-2) suggests that this variant is likely to be tolerated. In summary, the available evidence is currently insufficient to determine the role of this variant in disease. Therefore, it has been classified as a Variant of Uncertain Significance.

NM_014314.4(RIGI):c.370A>G (p.Ile124Val)

Gene: RIGI (RNA sensor RIG-I; minus strand). Cytogenetic location: 9p21.1.
Variant type: single nucleotide variant.
Coding change: c.370A>G on transcript NM_014314.4 (MANE Select); coding-DNA position 370, A replaced by G.
Protein change: p.Ile124Val; replaces isoleucine 124 with valine.
Molecular consequence: missense variant. On other transcripts: 5 prime UTR variant (3).
Genome position (GRCh38, 1-based): chr9:32,493,814, T>C on the plus strand (A>G on the coding strand, the complement: RIGI is on the minus strand). VCF-style: chr9-32493814-T-C. GRCh37 (hg19) VCF-style: chr9-32493812-T-C.
Other names: c.370A>G, p.Ile124Val (NM_001385907.1, NM_001385909.1, NM_001385913.1); c.370A>G (NM_014314.3); c.-85A>G (NM_001385910.1, NM_001385914.1); c.-92A>G (NM_001385912.1); short protein forms I124V.
Identifiers: ClinVar variation 1983526 (VCV001983526.5), dbSNP rs1029366581, ClinGen allele CA192384849.
Genomic context (GRCh38, chr9:32,493,814, plus strand): 5'-AACTTACCTGTAGAATTTCTTCACATTCCTGATTAATTAAACATTCAGACAGATCAGAAA[T>C]GATATCGGTTGGGATAATTCTGGTTTTAAATTCTGGTTGTAAACGTTTTAAAAGTAATCT-3'
Protein context (NP_055129.2, residues 114-134): FKTRIIPTDI[Ile124Val]SDLSECLINQ